The following is an entry in ClinVar:

ClinVar aggregate classification (germline): Uncertain significance (1 of 4 stars; one submission).

Allele frequency attached by ClinVar (database versions not stated): TOPMed 0.00005; gnomAD exomes 0.00006 and 0.00008; ExAC 0.00010; gnomAD 0.00010 and 0.00011.
gnomAD v4.1: 102 of 1,614,172 alleles (0.0063%); highest among the groups gnomAD compares: East Asian, 0.0089%; no homozygotes.

Submission:

Labcorp Genetics (formerly Invitae), Labcorp
Classification: Uncertain significance. Last evaluated: 2022-08-13. Review status: criteria provided, single submitter. Criteria: Invitae Variant Classification Sherloc (09022015). Collection method: clinical testing. Allele origin: germline.
Comment: This sequence change replaces aspartic acid, which is acidic and polar, with asparagine, which is neutral and polar, at codon 1958 of the CAD protein (p.Asp1958Asn). This variant is present in population databases (rs745600627, gnomAD 0.02%). This variant has not been reported in the literature in individuals affected with CAD-related conditions. ClinVar contains an entry for this variant (Variation ID: 1522648). Algorithms developed to predict the effect of missense changes on protein structure and function (SIFT, PolyPhen-2, Align-GVGD) all suggest that this variant is likely to be tolerated. In summary, the available evidence is currently insufficient to determine the role of this variant in disease. Therefore, it has been classified as a Variant of Uncertain Significance.

NM_004341.5(CAD):c.5872G>A (p.Asp1958Asn)

Gene: CAD (carbamoyl-phosphate synthetase 2, aspartate transcarbamylase, and dihydroorotase; plus strand). Cytogenetic location: 2p23.3.
Variant type: single nucleotide variant.
Coding change: c.5872G>A on transcript NM_004341.5 (MANE Select); coding-DNA position 5872, G replaced by A.
Protein change: p.Asp1958Asn; replaces aspartic acid 1958 with asparagine.
Molecular consequence: missense variant.
Genome position (GRCh38, 1-based): chr2:27,241,385, G>A. VCF-style: chr2-27241385-G-A. GRCh37 (hg19) VCF-style: chr2-27464253-G-A.
Other names: c.5683G>A, p.Asp1895Asn (NM_001306079.2); short protein forms D1958N, D1895N.
Identifiers: ClinVar variation 1522648 (VCV001522648.5), dbSNP rs745600627, ClinGen allele CA1574023.